The following is an entry in ClinVar:

ClinVar aggregate classification (germline): Uncertain significance (1 of 4 stars; one submission).

Conditions:
Hereditary breast ovarian cancer syndrome. Also called: Hereditary breast and ovarian cancer syndrome (HBOC); Hereditary breast and ovarian cancer syndrome; Breast and ovarian cancer; Hereditary breast and/or ovarian cancer syndrome; Hereditary breast and ovarian cancer; BRCA1- and BRCA2-Associated Hereditary Breast and Ovarian Cancer. Identifiers: Orphanet 145, MedGen C0677776, MeSH D061325, MONDO:0003582. Disease mechanism: loss of function.

Submission:

Labcorp Genetics (formerly Invitae), Labcorp
Classification: Uncertain significance for Hereditary breast ovarian cancer syndrome. Last evaluated: 2017-07-31. Review status: criteria provided, single submitter. Criteria: Invitae Variant Classification Sherloc (09022015). Collection method: clinical testing. Allele origin: germline.
Comment: This variant is not present in population databases (ExAC no frequency). In summary, the available evidence is currently insufficient to determine the role of this variant in disease. Therefore, it has been classified as a Variant of Uncertain Significance. Algorithms developed to predict the effect of missense changes on protein structure and function (SIFT, PolyPhen-2, Align-GVGD) all suggest that this variant is likely to be disruptive, but these predictions have not been confirmed by published functional studies and their clinical significance is uncertain. This variant has not been reported in the literature in individuals with BRCA2-related disease. This sequence change replaces leucine with glutamine at codon 2862 of the BRCA2 protein (p.Leu2862Gln). The leucine residue is moderately conserved and there is a moderate physicochemical difference between leucine and glutamine.

NM_000059.4(BRCA2):c.8585_8586delinsAG (p.Leu2862Gln)

Gene: BRCA2 (BRCA2 DNA repair associated; plus strand). Cytogenetic location: 13q13.1.
Variant type: Indel.
Coding change: c.8585_8586delinsAG on transcript NM_000059.4 (MANE Select); coding-DNA positions 8585 to 8586, TA replaced by AG.
Protein change: p.Leu2862Gln; replaces leucine 2862 with glutamine.
Molecular consequence: missense variant.
Genome position (GRCh38, 1-based): chr13:32,371,053-32,371,054, TA replaced by AG. VCF-style: chr13-32371053-TA-AG. GRCh37 (hg19) VCF-style: chr13-32945190-TA-AG.
Other names: c.8585_8586delTAinsAG (NM_000059.3); short protein forms L2862Q.
Identifiers: ClinVar variation 462484 (VCV000462484.7), dbSNP rs1555287777, ClinGen allele CA658656383.